The following is an entry in ClinVar:

ClinVar aggregate classification (germline): Conflicting classifications of pathogenicity. Review status: criteria provided, conflicting classifications (1 of 4 stars). 2 submissions from 2 submitters: Uncertain significance (1); Likely benign (1). Last evaluated 2025-08-15.

Conditions:
DCTN1-related disorder. Also called: DCTN1-related condition.
Amyotrophic lateral sclerosis type 1 (ALS1). Also called: AMYOTROPHIC LATERAL SCLEROSIS 1, FAMILIAL. Identifiers: Orphanet 803, MedGen C1862939, MONDO:0007103, OMIM 105400.
Perry syndrome. Also called: PARKINSONISM WITH ALVEOLAR HYPOVENTILATION AND MENTAL DEPRESSION. Identifiers: Orphanet 178509, MedGen C1868594, MONDO:0008201, OMIM 168605.
Neuronopathy, distal hereditary motor, type 7B. Also called: Distal Hereditary Motor Neuronopathy Type 7B (dHMN7B); HMN VIIB; LOWER MOTOR NEURON DISEASE, DYNACTIN TYPE; NEUROPATHY, DISTAL HEREDITARY MOTOR, HARDING TYPE VIIB; NEUROPATHY, DISTAL HEREDITARY MOTOR, WITH VOCAL CORD PARALYSIS, HARDING TYPE VIIB; NEURONOPATHY, DISTAL HEREDITARY MOTOR, AUTOSOMAL DOMINANT 14. Identifiers: Orphanet 139589, MedGen C1843315, MONDO:0011879, OMIM 607641.

Allele frequency attached by ClinVar (database versions not stated): gnomAD 0.00001; TOPMed 0.00001.
gnomAD v4.1: 6 of 1,612,906 alleles (0.00037%); highest among the groups gnomAD compares: Non-Finnish European, 0.00051%; no homozygotes.

Submissions (2):

PreventionGenetics, part of Exact Sciences
Classification: Uncertain significance for DCTN1-related condition. Last evaluated: 2025-08-15. Review status: criteria provided, single submitter. Criteria: ACMG Guidelines, 2015. Collection method: clinical testing. Allele origin: germline.
Comment: The DCTN1 c.282C>A variant is not predicted to result in an amino acid change (p.=). This variant is predicted to possibly alter splicing based on available splicing prediction programs (SpliceAI, Jaganathan et al. 2019. PubMed ID: 30661751). However, the use of computer prediction programs is not equivalent to functional evidence. To our knowledge, this variant has not been reported in the literature. This variant is reported in 0.00088% of alleles in individuals of European (non-Finnish) descent in gnomAD. At this time, the clinical significance of this variant is uncertain due to the absence of conclusive functional and genetic evidence.

Labcorp Genetics (formerly Invitae), Labcorp
Classification: Likely benign for Amyotrophic lateral sclerosis type 1; Neuronopathy, distal hereditary motor, type 7B; Perry syndrome. Last evaluated: 2025-07-14. Review status: criteria provided, single submitter. Criteria: Invitae Variant Classification Sherloc (09022015). Collection method: clinical testing. Allele origin: germline.

NM_004082.5(DCTN1):c.282C>A (p.Ile94=)

Gene: DCTN1 (dynactin subunit 1; minus strand). Cytogenetic location: 2p13.1.
Variant type: single nucleotide variant.
Coding change: c.282C>A on transcript NM_004082.5 (MANE Select); coding-DNA position 282, C replaced by A.
Protein change: p.Ile94=; no amino-acid change (isoleucine 94 retained).
Molecular consequence: synonymous variant. On other transcripts: non-coding transcript variant (1).
Genome position (GRCh38, 1-based): chr2:74,377,724, G>T on the plus strand (C>A on the coding strand, the complement: DCTN1 is on the minus strand). VCF-style: chr2-74377724-G-T. GRCh37 (hg19) VCF-style: chr2-74604851-G-T.
Other names: c.282C>A, p.Ile94= (NM_001135040.3, NM_001190837.2); c.231C>A, p.Ile77= (NM_001190836.2, NM_001378991.1, NM_001378992.1).
Identifiers: ClinVar variation 2140611 (VCV002140611.5), dbSNP rs1156647974, ClinGen allele CA426813869.